The following is an entry in ClinVar:

ClinVar aggregate classification (germline): Likely pathogenic. Review status: criteria provided, multiple submitters, no conflicts (2 of 4 stars). 4 submissions from 4 submitters: Likely pathogenic (2). 2 of the submissions do not count toward it. Last evaluated 2024-09-19.

Conditions:
MHC class II deficiency 2. Also called: Bare lymphocyte syndrome, type II, complementation group B. Identifiers: MedGen C1859535, MONDO:0971013, OMIM 620815.
MHC class II deficiency. Also called: Bare lymphocyte syndrome 2; BLS, TYPE II. Identifiers: Orphanet 572, MedGen C5447452, MONDO:0008855.
RFXANK-related disorder. Also called: RFXANK-related condition.

Submissions (4):

Labcorp Genetics (formerly Invitae), Labcorp
Classification: Likely pathogenic for MHC class II deficiency. Last evaluated: 2024-09-19. Review status: criteria provided, single submitter. Criteria: Invitae Variant Classification Sherloc (09022015). Collection method: clinical testing. Allele origin: germline.
Comment: This variant results in the deletion of part of exon 6 (c.419_438+38del) of the RFXANK gene. It is expected to disrupt RNA splicing. Variants that disrupt the donor or acceptor splice site typically lead to a loss of protein function (PMID: 16199547), and loss-of-function variants in RFXANK are known to be pathogenic (PMID: 10803838, 16166641, 21908431). The frequency data for this variant in the population databases is considered unreliable, as metrics indicate poor data quality at this position in the gnomAD database. This variant has been observed in individual(s) with MHC class II deficiency (PMID: 9806546). ClinVar contains an entry for this variant (Variation ID: 643059). In summary, the currently available evidence indicates that the variant is pathogenic, but additional data are needed to prove that conclusively. Therefore, this variant has been classified as Likely Pathogenic.

Blueprint Genetics
Classification: Likely pathogenic for RFXANK-related disorders. Last evaluated: 2023-07-04. Review status: criteria provided, single submitter. Criteria: ACMG Guidelines, 2015. Collection method: clinical testing. Allele origin: germline. Affected: yes. Observed: 5 variant alleles.

PreventionGenetics, part of Exact Sciences
Classification: Likely pathogenic for RFXANK-related condition. Last evaluated: 2023-12-08. Review status: no assertion criteria provided. Collection method: clinical testing. Allele origin: germline. Not counted in ClinVar's aggregate classification.
Comment: The RFXANK c.419_438+38del58 variant is predicted to result in a deletion affecting a canonical splice site. This variant has been reported in individuals with major histocompatibility class II deficiency, also referred to as bare lymphocyte syndrome, complementation group B (Masternak et al. 1998. PubMed ID: 9806546; Supplemental Table 3, Farwell et al. 2014. PubMed ID: 25356970). This variant is reported in 0.0023% of alleles in individuals of European (Non-Finnish) descent in gnomAD. Frameshift variants in RFXANK are expected to be pathogenic. This variant is interpreted as likely pathogenic.

OMIM
Classification: Pathogenic for MHC CLASS II DEFICIENCY 2. Last evaluated: 1998-11-01. Review status: no assertion criteria provided. Collection method: literature only. Allele origin: germline. Not counted in ClinVar's aggregate classification.

Literature cited by the submitters: PubMed 16199547 (cited by Labcorp Genetics (formerly Invitae), Labcorp); PubMed 10803838 (cited by Labcorp Genetics (formerly Invitae), Labcorp); PubMed 16166641 (cited by Labcorp Genetics (formerly Invitae), Labcorp); PubMed 21908431 (cited by Labcorp Genetics (formerly Invitae), Labcorp); PubMed 9806546 (cited by Labcorp Genetics (formerly Invitae), Labcorp and OMIM).

NM_003721.4(RFXANK):c.419_438+38del

Gene: RFXANK (regulatory factor X associated ankyrin containing protein; plus strand). Cytogenetic location: 19p13.11.
Variant type: Deletion.
Coding change: c.419_438+38del on transcript NM_003721.4 (MANE Select); coding-DNA position 419 through 38 bases into the intron after coding-DNA position 438, 58 bases deleted.
Molecular consequence: splice donor variant.
Genome position (GRCh38, 1-based): chr19:19,197,602-19,197,659, 58 bases deleted. GRCh37 (hg19): chr19:19,308,411-19,308,468.
Other names: c.419_438+38delTTCGCTTCCTGCTGGAGTGGGTGCGTCCCAGCCCAGCTGGGCAGCTGGGGGGTTCCCG (NM_003721.3); c.353_372+38del (NM_001278727.2, NM_001370234.1); c.350_369+38del (NM_134440.3, NM_001278728.2); c.416_435+38del (NM_001370235.1, NM_001370237.1, NM_001370236.1); c.419_438+38del (NM_001370238.1, NM_001370233.1).
Identifiers: ClinVar variation 643059 (VCV000643059.13), dbSNP rs1568579997, ClinGen allele CA632383147.